The following is an entry in ClinVar:

NM_006231.4(POLE):c.1549C>T (p.Pro517Ser)

Gene: POLE (DNA polymerase epsilon, catalytic subunit; minus strand). Cytogenetic location: 12q24.33.
Variant type: single nucleotide variant.
Coding change: c.1549C>T on transcript NM_006231.4 (MANE Select); coding-DNA position 1549, C replaced by T.
Protein change: p.Pro517Ser; replaces proline 517 with serine.
Molecular consequence: missense variant.
Genome position (GRCh38, 1-based): chr12:132,672,764, G>A on the plus strand (C>T on the coding strand, the complement: POLE is on the minus strand). VCF-style: chr12-132672764-G-A. GRCh37 (hg19) VCF-style: chr12-133249350-G-A.
Other names: short protein forms P517S.
Identifiers: ClinVar variation 2823375 (VCV002823375.3), dbSNP rs2135993817, ClinGen allele CA387357182.

ClinVar aggregate classification (germline): Uncertain significance (1 of 4 stars; one submission).

Submission:

Labcorp Genetics (formerly Invitae), Labcorp
Classification: Uncertain significance. Last evaluated: 2023-03-20. Review status: criteria provided, single submitter. Criteria: Invitae Variant Classification Sherloc (09022015). Collection method: clinical testing. Allele origin: germline.
Comment: In summary, the available evidence is currently insufficient to determine the role of this variant in disease. Therefore, it has been classified as a Variant of Uncertain Significance. Advanced modeling of protein sequence and biophysical properties (such as structural, functional, and spatial information, amino acid conservation, physicochemical variation, residue mobility, and thermodynamic stability) performed at Invitae indicates that this missense variant is expected to disrupt POLE protein function. This variant has not been reported in the literature in individuals affected with POLE-related conditions. This variant is not present in population databases (gnomAD no frequency). This sequence change replaces proline, which is neutral and non-polar, with serine, which is neutral and polar, at codon 517 of the POLE protein (p.Pro517Ser).